The following is an entry in ClinVar:

NM_001134407.3(GRIN2A):c.137T>A (p.Val46Glu)

Gene: GRIN2A (glutamate ionotropic receptor NMDA type subunit 2A; minus strand). Cytogenetic location: 16p13.2.
Variant type: single nucleotide variant.
Coding change: c.137T>A on transcript NM_001134407.3 (MANE Select); coding-DNA position 137, T replaced by A.
Protein change: p.Val46Glu; replaces valine 46 with glutamic acid.
Molecular consequence: missense variant.
Genome position (GRCh38, 1-based): chr16:10,180,275, A>T on the plus strand (T>A on the coding strand, the complement: GRIN2A is on the minus strand). VCF-style: chr16-10180275-A-T. GRCh37 (hg19) VCF-style: chr16-10274132-A-T.
Other names: c.137T>A, p.Val46Glu (NM_000833.5, NM_001134408.2); short protein forms V46E.
Identifiers: ClinVar variation 941574 (VCV000941574.10), dbSNP rs2050238313, ClinGen allele CA394715651.

ClinVar aggregate classification (germline): Uncertain significance (1 of 4 stars; one submission).

Conditions:
Landau-Kleffner syndrome (FESD). Also called: EPILEPSY, FOCAL, WITH SPEECH DISORDER AND WITH OR WITHOUT MENTAL RETARDATION; APHASIA, ACQUIRED, WITH EPILEPSY. Identifiers: Orphanet 1945, Orphanet 725, Orphanet 98818, MedGen C0282512, MONDO:0009509, OMIM 245570.

Submission:

Labcorp Genetics (formerly Invitae), Labcorp
Classification: Uncertain significance for Landau-Kleffner syndrome. Last evaluated: 2023-03-23. Review status: criteria provided, single submitter. Criteria: Invitae Variant Classification Sherloc (09022015). Collection method: clinical testing. Allele origin: germline.
Comment: This sequence change replaces valine, which is neutral and non-polar, with glutamic acid, which is acidic and polar, at codon 46 of the GRIN2A protein (p.Val46Glu). This variant is not present in population databases (gnomAD no frequency). This variant has not been reported in the literature in individuals affected with GRIN2A-related conditions. ClinVar contains an entry for this variant (Variation ID: 941574). Advanced modeling of protein sequence and biophysical properties (such as structural, functional, and spatial information, amino acid conservation, physicochemical variation, residue mobility, and thermodynamic stability) performed at Invitae indicates that this missense variant is not expected to disrupt GRIN2A protein function. In summary, the available evidence is currently insufficient to determine the role of this variant in disease. Therefore, it has been classified as a Variant of Uncertain Significance.